The following is an entry in ClinVar:

NC_000008.10:g.(43025838_43027452)_(43057999_?)dup

Gene: HGSNAT (heparan-alpha-glucosaminide N-acetyltransferase; plus strand). Cytogenetic location: 8p11.21.
Variant type: Duplication.
Identifiers: ClinVar variation 3768512 (VCV003768512.1).

ClinVar aggregate classification (germline): Uncertain significance (1 of 4 stars; one submission).

Submission:

Women's Health and Genetics/Laboratory Corporation of America, LabCorp
Classification: Uncertain significance. Last evaluated: 2024-12-19. Review status: criteria provided, single submitter. Criteria: LabCorp Variant Classification Summary - May 2015. Collection method: clinical testing. Allele origin: germline.
Comment: Variant summary: The variant involves the duplication of exons 8-18 in the HGSNAT gene. The exact breakpoint at the 3' end of this variant is unknown, therefore this duplication may extend downstream of the annotated region of the gene. As it duplicates the termination codon, its effect on the encoded protein is unknown. A presumed nomenclature of c.(743+1_744-1)_(*3287_?)dup has been designated for the purposes of this classification. The variant was absent in 21694 control chromosomes (gnomAD structural variants data set). The available data on variant occurrences in the general population are insufficient to allow any conclusion about variant significance. To our knowledge, no occurrence of c.(743+1_744-1)_(*3287_?)dup in individuals affected with Mucopolysaccharidosis, MPS-III-C and no experimental evidence demonstrating its impact on protein function have been reported. ClinVar contains an entry for this variant (Variation ID: 1450218). Based on the evidence outlined above, the variant was classified as uncertain significance.